The following is an entry in ClinVar:

ClinVar aggregate classification (germline): Uncertain significance (1 of 4 stars; one submission).

Conditions:
Hereditary cancer-predisposing syndrome. Also called: Hereditary neoplastic syndrome; Hereditary Cancer Syndrome; Neoplastic Syndromes, Hereditary; Tumor predisposition. Identifiers: Orphanet 140162, MedGen C0027672, MeSH D009386, MONDO:0015356.

Submission:

Ambry Genetics
Classification: Uncertain significance for Hereditary cancer-predisposing syndrome. Last evaluated: 2023-05-08. Review status: criteria provided, single submitter. Criteria: Ambry Variant Classification Scheme 2023. Collection method: clinical testing. Allele origin: germline.
Comment: The c.33_36+2CGACGT intronic variant begins 3 nucleotides after coding exon 1 in the MAX gene. This variant results from a duplication of 6 nucleotides at positions c.33 to c.36+2. This nucleotide region is conserved through mammals. In silico splice site analysis predicts that this alteration will not have any significant effect on splicing. Since supporting evidence is limited at this time, the clinical significance of this alteration remains unclear.

NM_002382.5(MAX):c.33_36+2dup

Genes: MAX (MYC associated transcriptional regulator X; minus strand), LOC130055850 (ATAC-STARR-seq lymphoblastoid silent region 5847; plus strand). Cytogenetic location: 14q23.3.
Variant type: Duplication.
Coding change: c.33_36+2dup on transcript NM_002382.5 (MANE Select); coding-DNA position 33 through the canonical splice donor site of the intron after coding-DNA position 36, 6 bases duplicated (CGACGT; older notation c.33_36+2dupCGACGT).
Molecular consequence: splice donor variant. On other transcripts: intron variant (2).
Genome position (GRCh38, 1-based): chr14:65,102,302-65,102,307, ACGTCG duplicated on the plus strand (CGACGT on the coding strand, the reverse complement: MAX is on the minus strand). VCF-style (leftmost placement, unchanged base first): chr14-65102301-C-CACGTCG. GRCh37 (hg19) VCF-style: chr14-65569019-C-CACGTCG.
Other names: c.33_36+2dup (NM_001271069.2, NM_197957.4, NM_001407095.1 and 18 more transcripts); c.-305+202_-305+207dup (NM_001407112.1); c.-239+202_-239+207dup (NM_001407106.1); c.-215_-212+2dup (NM_001407107.1); c.-242_-239+2dup (NM_001320415.2).
Identifiers: ClinVar variation 2568117 (VCV002568117.2), dbSNP rs2504531184, ClinGen allele CA2580613707.
Genomic context (GRCh38, chr14:65,102,301, plus strand): 5'-AGAGCCCCGGCCGCTGTCCCCGCCTGACAACCCGCACGGGAAGGAAGAAGCCCCAGGACT[C>CACGTCG]ACGTCGCTCTCCACCTCGATGTCATCGTTATCGCTCATTTCCTACGGCCCAGGGAGCGGC-3'